The following is an entry in ClinVar:

NM_000138.5(FBN1):c.6320dup (p.Arg2108fs)

Gene: FBN1 (fibrillin 1; minus strand). Cytogenetic location: 15q21.1.
Variant type: Duplication.
Coding change: c.6320dup on transcript NM_000138.5 (MANE Select); coding-DNA position 6320, one base duplicated (T; older notation c.6320dupT).
Protein change: p.Arg2108fs; shifts the reading frame from arginine 2108.
Molecular consequence: frameshift variant.
Genome position (GRCh38, 1-based): chr15:48,437,381, A duplicated on the plus strand (T on the coding strand, the reverse complement: FBN1 is on the minus strand); the first of 2 consecutive A bases (chr15:48,437,381-48,437,382); duplicating either gives the same sequence. VCF-style (leftmost placement, unchanged base first): chr15-48437380-G-GA. GRCh37 (hg19) VCF-style: chr15-48729577-G-GA.
Other names: short protein forms R2108fs.
Identifiers: ClinVar variation 944157 (VCV000944157.3), dbSNP rs2043081795, ClinGen allele CA1139663957.

ClinVar aggregate classification (germline): Pathogenic (1 of 4 stars; one submission).

Conditions:
Familial thoracic aortic aneurysm and aortic dissection (TAAD). Also called: Thoracic aortic aneurysms and dissections. Identifiers: Orphanet 91387, MedGen C4707243, MONDO:0019625.
Marfan syndrome (MFS). Also called: Marfan syndrome, classic; Marfan syndrome type 1; Marfan's syndrome; FBN1-Related Marfan Syndrome; MARFAN SYNDROME, TYPE I. Identifiers: Orphanet 284963, Orphanet 558, MedGen C0024796, MONDO:0007947, OMIM 154700.

Submission:

Labcorp Genetics (formerly Invitae), Labcorp
Classification: Pathogenic for Marfan syndrome; Familial thoracic aortic aneurysm and aortic dissection. Last evaluated: 2019-09-20. Review status: criteria provided, single submitter. Criteria: Invitae Variant Classification Sherloc (09022015). Collection method: clinical testing. Allele origin: germline.
Comment: This sequence change creates a premature translational stop signal (p.Arg2108Profs*15) in the FBN1 gene. It is expected to result in an absent or disrupted protein product. This variant is not present in population databases (ExAC no frequency). This variant has not been reported in the literature in individuals with FBN1-related conditions. Loss-of-function variants in FBN1 are known to be pathogenic (PMID: 17657824, 19293843). For these reasons, this variant has been classified as Pathogenic.

Literature cited by the submitters: PubMed 17657824; PubMed 19293843.